The following is an entry in ClinVar:

ClinVar aggregate classification (germline): Pathogenic (1 of 4 stars; one submission).

Submission:

GeneDx
Classification: Pathogenic. Last evaluated: 2018-04-23. Review status: criteria provided, single submitter. Criteria: GeneDx Variant Classification (06012015). Collection method: clinical testing. Allele origin: germline. Affected: yes.
Comment: The c.720dupG variant in the CAPN3 gene has not been reported previously as a pathogenic variant nor as a benign variant, to our knowledge. The c.720dupG variant causes a frameshift starting with codon Isoleucine 241, changes this amino acid to a Aspartic Acid residue, and creates a premature Stop codon at position 6 of the new reading frame, denoted p.Ile241AspfsX6. This variant is predicted to cause loss of normal protein function either through protein truncation or nonsense-mediated mRNA decay. The c.720dupG variant is not observed in large population cohorts (Lek et al., 2016). We interpret c.720dupG as a pathogenic variant.

NM_000070.3(CAPN3):c.720dup (p.Ile241fs)

Gene: CAPN3 (calpain 3; plus strand). Cytogenetic location: 15q15.1.
Variant type: Duplication.
Coding change: c.720dup on transcript NM_000070.3 (MANE Select); coding-DNA position 720, one base duplicated (G; older notation c.720dupG).
Protein change: p.Ile241fs; shifts the reading frame from isoleucine 241.
Molecular consequence: frameshift variant.
Genome position (GRCh38, 1-based): chr15:42,389,015, G duplicated. VCF-style (leftmost placement, unchanged base first): chr15-42389014-A-AG. GRCh37 (hg19) VCF-style: chr15-42681212-A-AG.
Other names: c.720dup, p.Ile241fs (NM_024344.2, NM_173087.2); c.720dupG (NM_000070.2); short protein forms I241fs.
Identifiers: ClinVar variation 524090 (VCV000524090.2), dbSNP rs1555420639, ClinGen allele CA658798309.
Genomic context (GRCh38, chr15:42,389,014, plus strand): 5'-AAGGTGGGAACACCACAGAGGCCATGGAGGACTTCACAGGAGGGGTGGCAGAGTTTTTTG[A>AG]GATCAGGGATGCTCCTAGTGACATGTACAAGATCATGAAGAAAGCCATCGAGAGAGGCTC-3'